The following is an entry in ClinVar:

ClinVar aggregate classification (germline): Uncertain significance (1 of 4 stars; one submission).

Conditions:
Familial adenomatous polyposis 1 (FAP1). Also called: FAMILIAL ADENOMATOUS POLYPOSIS 1, ATTENUATED; POLYPOSIS, ADENOMATOUS INTESTINAL. Identifiers: MedGen C2713442, MONDO:0021056, OMIM 175100. Disease mechanism: loss of function.

gnomAD v4.1: 1 of 1,614,198 alleles (0.000062%); highest among the groups gnomAD compares: Non-Finnish European, 0.000085%; no homozygotes.

Submission:

Labcorp Genetics (formerly Invitae), Labcorp
Classification: Uncertain significance for Familial adenomatous polyposis 1. Last evaluated: 2019-10-29. Review status: criteria provided, single submitter. Criteria: Invitae Variant Classification Sherloc (09022015). Collection method: clinical testing. Allele origin: germline.
Comment: This sequence change replaces asparagine with histidine at codon 1290 of the APC protein (p.Asn1290His). The asparagine residue is weakly conserved and there is a small physicochemical difference between asparagine and histidine. This variant is not present in population databases (ExAC no frequency). This variant has not been reported in the literature in individuals with APC-related conditions. Algorithms developed to predict the effect of missense changes on protein structure and function are either unavailable or do not agree on the potential impact of this missense change (SIFT: "Deleterious"; PolyPhen-2: "Benign"; Align-GVGD: "Class C0"). In summary, the available evidence is currently insufficient to determine the role of this variant in disease. Therefore, it has been classified as a Variant of Uncertain Significance.

NM_000038.6(APC):c.3868A>C (p.Asn1290His)

Gene: APC (APC regulator of Wnt signaling pathway; plus strand). Cytogenetic location: 5q22.2.
Variant type: single nucleotide variant.
Coding change: c.3868A>C on transcript NM_000038.6 (MANE Select); coding-DNA position 3868, A replaced by C.
Protein change: p.Asn1290His; replaces asparagine 1290 with histidine.
Molecular consequence: missense variant.
Genome position (GRCh38, 1-based): chr5:112,839,462, A>C. VCF-style: chr5-112839462-A-C. GRCh37 (hg19) VCF-style: chr5-112175159-A-C.
Other names: c.3868A>C, p.Asn1290His (NM_001127510.3, NM_001354895.2); c.3814A>C, p.Asn1272His (NM_001127511.3); c.3922A>C, p.Asn1308His (NM_001354896.2); c.3898A>C, p.Asn1300His (NM_001354897.2); c.3793A>C, p.Asn1265His (NM_001354898.2); c.3784A>C, p.Asn1262His (NM_001354899.2); c.3745A>C, p.Asn1249His (NM_001354900.2); c.3691A>C, p.Asn1231His (NM_001354901.2); and 5 more; short protein forms N1308H, N1272H, N1130H, N1164H, N1189H, N1199H, N1231H, N1249H.
Identifiers: ClinVar variation 964556 (VCV000964556.11), dbSNP rs752977559, ClinGen allele CA16029818.